The following is an entry in ClinVar:

NM_014956.5(CEP164):c.79C>A (p.Gln27Lys)

Gene: CEP164 (centrosomal protein 164; plus strand). Cytogenetic location: 11q23.3.
Variant type: single nucleotide variant.
Coding change: c.79C>A on transcript NM_014956.5 (MANE Select); coding-DNA position 79, C replaced by A.
Protein change: p.Gln27Lys; replaces glutamine 27 with lysine.
Molecular consequence: missense variant.
Genome position (GRCh38, 1-based): chr11:117,338,665, C>A. VCF-style: chr11-117338665-C-A. GRCh37 (hg19) VCF-style: chr11-117209381-C-A.
Other names: c.79C>A, p.Gln27Lys (NM_001271933.2); short protein forms Q27K.
Identifiers: ClinVar variation 1328075 (VCV001328075.7), dbSNP rs565845914, ClinGen allele CA229370653.

ClinVar aggregate classification (germline): Uncertain significance. Review status: criteria provided, single submitter (1 of 4 stars). 3 submissions from 3 submitters: Uncertain significance (1). 2 of the submissions do not count toward it. Last evaluated 2022-08-16.

Conditions:
Nephronophthisis 15 (NPHP15). Identifiers: Orphanet 3156, MedGen C3541853, MONDO:0013917, OMIM 614845.

gnomAD v4.1: 10 of 1,610,286 alleles (0.00062%); highest among the groups gnomAD compares: Non-Finnish European, 0.00085%; no homozygotes.

Submissions (3):

Labcorp Genetics (formerly Invitae), Labcorp
Classification: Uncertain significance for Nephronophthisis 15. Last evaluated: 2022-08-16. Review status: criteria provided, single submitter. Criteria: Invitae Variant Classification Sherloc (09022015). Collection method: clinical testing. Allele origin: germline.
Comment: This variant has not been reported in the literature in individuals affected with CEP164-related conditions. In summary, the available evidence is currently insufficient to determine the role of this variant in disease. Therefore, it has been classified as a Variant of Uncertain Significance. Algorithms developed to predict the effect of missense changes on protein structure and function (SIFT, PolyPhen-2, Align-GVGD) all suggest that this variant is likely to be tolerated. ClinVar contains an entry for this variant (Variation ID: 1328075). This variant is present in population databases (rs565845914, gnomAD 0.0009%). This sequence change replaces glutamine, which is neutral and polar, with lysine, which is basic and polar, at codon 27 of the CEP164 protein (p.Gln27Lys).

Clinical Genetics, Academic Medical Center
Classification: Benign. Review status: no assertion criteria provided. Collection method: clinical testing. Allele origin: germline. Affected: yes. Study: VKGL Data-share Consensus. Not counted in ClinVar's aggregate classification.

Laboratory of Diagnostic Genome Analysis, Leiden University Medical Center (LUMC)
Classification: Likely benign. Review status: no assertion criteria provided. Collection method: clinical testing. Allele origin: germline. Affected: yes. Study: VKGL Data-share Consensus. Not counted in ClinVar's aggregate classification.